The following is an entry in ClinVar:

ClinVar aggregate classification (germline): Uncertain significance (1 of 4 stars; one submission).

Conditions:
Glycine encephalopathy. Also called: Non-ketotic hyperglycinemia; Nonketotic hyperglycinemia. Identifiers: Orphanet 407, MedGen C0751748, MONDO:0011612, HP:0008288.

Allele frequency attached by ClinVar (database versions not stated): gnomAD 0.00001; TOPMed 0.00002.

Submission:

Labcorp Genetics (formerly Invitae), Labcorp
Classification: Uncertain significance for Glycine encephalopathy. Last evaluated: 2021-09-24. Review status: criteria provided, single submitter. Criteria: Invitae Variant Classification Sherloc (09022015). Collection method: clinical testing. Allele origin: germline.
Comment: This sequence change replaces glycine with serine at codon 69 of the GLDC protein (p.Gly69Ser). The glycine residue is highly conserved and there is a small physicochemical difference between glycine and serine. This variant is not present in population databases (ExAC no frequency). This variant has not been reported in the literature in individuals affected with GLDC-related conditions. Advanced modeling of protein sequence and biophysical properties (such as structural, functional, and spatial information, amino acid conservation, physicochemical variation, residue mobility, and thermodynamic stability) performed at Invitae indicates that this missense variant is expected to disrupt GLDC protein function. In summary, the available evidence is currently insufficient to determine the role of this variant in disease. Therefore, it has been classified as a Variant of Uncertain Significance.

NM_000170.3(GLDC):c.205G>A (p.Gly69Ser)

Gene: GLDC (glycine decarboxylase; minus strand). Cytogenetic location: 9p24.1.
Variant type: single nucleotide variant.
Coding change: c.205G>A on transcript NM_000170.3 (MANE Select); coding-DNA position 205, G replaced by A.
Protein change: p.Gly69Ser; replaces glycine 69 with serine.
Molecular consequence: missense variant.
Genome position (GRCh38, 1-based): chr9:6,645,295, C>T on the plus strand (G>A on the coding strand, the complement: GLDC is on the minus strand). VCF-style: chr9-6645295-C-T. GRCh37 (hg19) VCF-style: chr9-6645295-C-T.
Other names: short protein forms G69S.
Identifiers: ClinVar variation 1470408 (VCV001470408.5), dbSNP rs955023601, ClinGen allele CA188663039.